The following is an entry in ClinVar:

NC_000023.10:g.(?_18663320)_(18665330_?)del

Genes: CDKL5 (cyclin dependent kinase like 5; plus strand), RS1 (retinoschisin 1; minus strand). Cytogenetic location: Xp22.13.
Variant type: Deletion.
Identifiers: ClinVar variation 2422913 (VCV002422913.4).

ClinVar aggregate classification (germline): Pathogenic (1 of 4 stars; one submission).

Submission:

Labcorp Genetics (formerly Invitae), Labcorp
Classification: Pathogenic. Last evaluated: 2022-05-11. Review status: criteria provided, single submitter. Criteria: Invitae Variant Classification Sherloc (09022015). Collection method: clinical testing. Allele origin: germline.
Comment: For these reasons, this variant has been classified as Pathogenic. This variant disrupts a region of the RS1 protein in which other variant(s) (p.Asn104Lys) have been determined to be pathogenic (PMID: 10234514, 16361673; Invitae). This suggests that this is a clinically significant region of the protein, and that variants that disrupt it are likely to be disease-causing. This variant has not been reported in the literature in individuals affected with RS1-related conditions. This variant results in the deletion of part of exon 4 (c.307_327-575del) of the RS1 gene. It is expected to disrupt RNA splicing. Variants that disrupt the donor or acceptor splice site typically lead to a loss of protein function (PMID: 16199547), and loss-of-function variants in RS1 are known to be pathogenic (PMID: 9618178, 17172462).

Literature cited by the submitters: PubMed 10234514; PubMed 16361673; PubMed 16199547; PubMed 9618178; PubMed 17172462.